The following is an entry in ClinVar:

NM_001349884.2(DRAM2):c.113C>T (p.Pro38Leu)

Gene: DRAM2 (DNA damage regulated autophagy modulator 2; minus strand). Cytogenetic location: 1p13.3.
Variant type: single nucleotide variant.
Coding change: c.113C>T on transcript NM_001349884.2 (MANE Select); coding-DNA position 113, C replaced by T.
Protein change: p.Pro38Leu; replaces proline 38 with leucine.
Molecular consequence: missense variant. On other transcripts: 5 prime UTR variant (8), non-coding transcript variant (8).
Genome position (GRCh38, 1-based): chr1:111,131,442, G>A on the plus strand (C>T on the coding strand, the complement: DRAM2 is on the minus strand). VCF-style: chr1-111131442-G-A. GRCh37 (hg19) VCF-style: chr1-111674064-G-A.
Other names: c.113C>T (NM_178454.4); c.113C>T, p.Pro38Leu (NM_001349881.2, NM_001349882.2, NM_001349885.2 and 1 more transcripts); c.-46C>T (NM_001349886.2, NM_001349887.2, NM_001349888.2); c.-138C>T (NM_001349889.2, NM_001349890.2, NM_001349892.2 and 1 more transcripts); c.-306C>T (NM_001349891.2); short protein forms P38L.
Identifiers: ClinVar variation 1523141 (VCV001523141.7), dbSNP rs781461022, ClinGen allele CA1001952.

ClinVar aggregate classification (germline): Uncertain significance. Review status: criteria provided, multiple submitters, no conflicts (2 of 4 stars). 2 submissions from 2 submitters: Uncertain significance (2). Last evaluated 2026-01-09.

Conditions:
Inborn genetic diseases. Identifiers: MedGen C0950123, MeSH D030342.

Allele frequency attached by ClinVar (database versions not stated): ExAC 0.00001; gnomAD exomes 0.00001.
gnomAD v4.1: 19 of 1,613,746 alleles (0.0012%); highest among the groups gnomAD compares: Middle Eastern, 0.016%; no homozygotes.

Submissions (2):

Labcorp Genetics (formerly Invitae), Labcorp
Classification: Uncertain significance. Last evaluated: 2026-01-09. Review status: criteria provided, single submitter. Criteria: Invitae Variant Classification Sherloc (09022015). Collection method: clinical testing. Allele origin: germline.
Comment: This sequence change replaces proline, which is neutral and non-polar, with leucine, which is neutral and non-polar, at codon 38 of the DRAM2 protein (p.Pro38Leu). This variant is present in population databases (rs781461022, gnomAD 0.01%). This variant has not been reported in the literature in individuals affected with DRAM2-related conditions. ClinVar contains an entry for this variant (Variation ID: 1523141). Invitae Evidence Modeling of protein sequence and biophysical properties (such as structural, functional, and spatial information, amino acid conservation, physicochemical variation, residue mobility, and thermodynamic stability) indicates that this missense variant is not expected to disrupt DRAM2 protein function with a negative predictive value of 80%. In summary, the available evidence is currently insufficient to determine the role of this variant in disease. Therefore, it has been classified as a Variant of Uncertain Significance.

Ambry Genetics
Classification: Uncertain significance for Inborn genetic diseases. Last evaluated: 2025-01-23. Review status: criteria provided, single submitter. Criteria: Ambry Variant Classification Scheme 2023. Collection method: clinical testing. Allele origin: germline.